The following is an entry in ClinVar:

NM_001040167.2(LFNG):c.895G>A (p.Ala299Thr)

Gene: LFNG (LFNG O-fucosylpeptide 3-beta-N-acetylglucosaminyltransferase; plus strand). Cytogenetic location: 7p22.3.
Variant type: single nucleotide variant.
Coding change: c.895G>A on transcript NM_001040167.2 (MANE Select); coding-DNA position 895, G replaced by A.
Protein change: p.Ala299Thr; replaces alanine 299 with threonine.
Molecular consequence: missense variant.
Genome position (GRCh38, 1-based): chr7:2,526,317, G>A. VCF-style: chr7-2526317-G-A. GRCh37 (hg19) VCF-style: chr7-2565951-G-A.
Other names: c.895G>A, p.Ala299Thr (NM_001040168.2); c.682G>A, p.Ala228Thr (NM_001166355.2); c.508G>A, p.Ala170Thr (NM_002304.3); short protein forms A228T, A299T, A170T.
Identifiers: ClinVar variation 3685221 (VCV003685221.2).

ClinVar aggregate classification (germline): Uncertain significance (1 of 4 stars; one submission).

Conditions:
Spondylocostal dysostosis 3, autosomal recessive (SCDO3). Also called: LFNG-Related Spondylocostal Dysostosis, Autosomal Recessive. Identifiers: Orphanet 2311, MedGen C1853296, MONDO:0012349, OMIM 609813.

gnomAD v4.1: 4 of 1,612,788 alleles (0.00025%); no homozygotes.

Submission:

Labcorp Genetics (formerly Invitae), Labcorp
Classification: Uncertain significance for Spondylocostal dysostosis 3, autosomal recessive. Last evaluated: 2024-08-21. Review status: criteria provided, single submitter. Criteria: Invitae Variant Classification Sherloc (09022015). Collection method: clinical testing. Allele origin: germline.
Comment: This sequence change replaces alanine, which is neutral and non-polar, with threonine, which is neutral and polar, at codon 299 of the LFNG protein (p.Ala299Thr). This variant is present in population databases (rs778512743, gnomAD 0.002%). This variant has not been reported in the literature in individuals affected with LFNG-related conditions. Invitae Evidence Modeling of protein sequence and biophysical properties (such as structural, functional, and spatial information, amino acid conservation, physicochemical variation, residue mobility, and thermodynamic stability) indicates that this missense variant is not expected to disrupt LFNG protein function with a negative predictive value of 80%. In summary, the available evidence is currently insufficient to determine the role of this variant in disease. Therefore, it has been classified as a Variant of Uncertain Significance.